The following is an entry in ClinVar:

NM_031885.5(BBS2):c.2095C>G (p.Arg699Gly)

Gene: BBS2 (Bardet-Biedl syndrome 2; minus strand). Cytogenetic location: 16q13.
Variant type: single nucleotide variant.
Coding change: c.2095C>G on transcript NM_031885.5 (MANE Select); coding-DNA position 2095, C replaced by G.
Protein change: p.Arg699Gly; replaces arginine 699 with glycine.
Molecular consequence: missense variant. On other transcripts: non-coding transcript variant (5).
Genome position (GRCh38, 1-based): chr16:56,484,832, G>C on the plus strand (C>G on the coding strand, the complement: BBS2 is on the minus strand). VCF-style: chr16-56484832-G-C. GRCh37 (hg19) VCF-style: chr16-56518744-G-C.
Other names: c.2095C>G, p.Arg699Gly (NM_001377456.1); short protein forms R699G.
Identifiers: ClinVar variation 4992741 (VCV004992741.1).
Genomic context (GRCh38, chr16:56,484,832, plus strand): 5'-CTGTCCCCACTCGCATGATTTTGAACAGTGTGTTGATGTTATTGCTTCGAATTGCATCCC[G>C]ACAAGCAGTGATCACCTGGTTCTTTGGTTTTCCAACTGCATAAGAAGAAACATCAGGAAC-3'
Protein context (NP_114091.4, residues 689-709): KPKNQVITAC[Arg699Gly]DAIRSNNINT

ClinVar aggregate classification (germline): Uncertain significance (1 of 4 stars; one submission).

Conditions:
BBS2-related disorder. Also called: BBS2-related condition; BBS2-related disorders. Identifiers: MedGen CN239228.

Submission:

PreventionGenetics, part of Exact Sciences
Classification: Uncertain significance for BBS2-related condition. Last evaluated: 2026-01-22. Review status: criteria provided, single submitter. Criteria: ACMG Guidelines, 2015. Collection method: clinical testing. Allele origin: germline.
Comment: The BBS2 c.2095C>G variant is predicted to result in the amino acid substitution p.Arg699Gly. To our knowledge, this variant has not been reported in the literature or in a large population database (gnomAD), indicating this variant is rare. At this time, the clinical significance of this variant is uncertain due to the absence of conclusive functional and genetic evidence.